The following is an entry in ClinVar:

ClinVar aggregate classification (germline): Benign/Likely benign. Review status: criteria provided, multiple submitters, no conflicts (2 of 4 stars). 12 submissions from 12 submitters: Benign (3); Likely benign (9). Last evaluated 2026-02-02.

Conditions:
Primary ciliary dyskinesia. Also called: Ciliary dyskinesia. Identifiers: Orphanet 244, MedGen C0008780, MONDO:0016575, HP:0012265.
Primary ciliary dyskinesia 14. Also called: CILIARY DYSKINESIA, PRIMARY, 14, WITH OR WITHOUT SITUS INVERSUS. Identifiers: Orphanet 244, MedGen C3151136, MONDO:0013434, OMIM 613807.

Allele frequency attached by ClinVar (database versions not stated): 1000 Genomes Project 30x 0.00125; 1000 Genomes Project 0.00160; TOPMed 0.00303; gnomAD 0.00312 and 0.00314; ESP Exome Variant Server 0.00445.
gnomAD v4.1: 8,925 of 1,612,170 alleles (0.55%); highest among the groups gnomAD compares: Non-Finnish European, 0.69%; 39 homozygotes.

Submissions (12):

Labcorp Genetics (formerly Invitae), Labcorp
Classification: Likely benign for Primary ciliary dyskinesia. Last evaluated: 2026-02-02. Review status: criteria provided, single submitter. Criteria: Invitae Variant Classification Sherloc (09022015). Collection method: clinical testing. Allele origin: germline.

CeGaT Center for Human Genetics Tuebingen
Classification: Likely benign. Last evaluated: 2025-04-01. Review status: criteria provided, single submitter. Criteria: CeGaT Center For Human Genetics Tuebingen Variant Classification Criteria Version 2. Collection method: clinical testing. Allele origin: germline. Affected: yes. Observed: 3 variant alleles.
Comment: CCDC39: BP4, BS2

Blueprint Genetics
Classification: Likely benign. Last evaluated: 2024-11-26. Review status: criteria provided, single submitter. Criteria: ACMG Guidelines, 2015. Collection method: clinical testing. Allele origin: germline.

ARUP Laboratories, Molecular Genetics and Genomics, ARUP Laboratories
Classification: Likely benign for Primary ciliary dyskinesia 14. Last evaluated: 2024-04-05. Review status: criteria provided, single submitter. Criteria: ARUP Molecular Germline Variant Investigation Process 2024. Collection method: clinical testing. Allele origin: germline.

GeneDx
Classification: Likely benign. Last evaluated: 2021-01-19. Review status: criteria provided, single submitter. Criteria: GeneDx Variant Classification Process June 2021. Collection method: clinical testing. Allele origin: germline. Affected: yes.
Comment: This variant is associated with the following publications: (PMID: 25118008)

Center for Pediatric Genomic Medicine, Children's Mercy Hospital and Clinics
Classification: Likely benign. Last evaluated: 2017-05-30. Review status: criteria provided, single submitter. Criteria: ACMG Guidelines, 2015. Collection method: clinical testing. Allele origin: germline.

Illumina Laboratory Services, Illumina
Classification: Likely benign for Primary ciliary dyskinesia 14. Last evaluated: 2017-04-27. Review status: criteria provided, single submitter. Criteria: ICSL Variant Classification Criteria 13 December 2019. Collection method: clinical testing. Allele origin: germline.
Comment: This variant was observed as part of a predisposition screen in an ostensibly healthy population. A literature search was performed for the gene, cDNA change, and amino acid change (where applicable). Publications were found based on this search. The evidence from the literature, in combination with allele frequency data from public databases where available, was sufficient to determine this variant is unlikely to cause disease. Therefore, this variant is classified as likely benign.

Ambry Genetics
Classification: Benign for Primary ciliary dyskinesia. Last evaluated: 2017-02-14. Review status: criteria provided, single submitter. Criteria: Ambry Variant Classification Scheme 2023. Collection method: clinical testing. Allele origin: germline.

Eurofins Ntd Llc (ga)
Classification: Benign. Last evaluated: 2015-09-19. Review status: criteria provided, single submitter. Criteria: EGL Classification Definitions 2015. Collection method: clinical testing. Allele origin: germline. Observed: 1 variant allele, 1 heterozygote.

Laboratory for Molecular Medicine, Mass General Brigham Personalized Medicine
Classification: Benign. Last evaluated: 2013-02-21. Review status: criteria provided, single submitter. Criteria: LMM Criteria. Collection method: clinical testing. Allele origin: germline. Observed: 2 variant alleles.
Comment: Gln478Arg in exon 11 of CCDC39: This variant is not expected to have clinical si gnificance because it has been identified in 4.5% (8/178) of English and Scottis h chromosomes from a broad population by the 1000 Genomes Project (dbSNP rs115545935).

Breakthrough Genomics
Classification: Likely benign. Review status: criteria provided, single submitter. Criteria: ACMG Guidelines, 2015. Collection method: not provided. Allele origin: germline. Inheritance: Autosomal recessive inheritance. Affected: yes.

PreventionGenetics, part of Exact Sciences
Classification: Likely benign. Review status: criteria provided, single submitter. Criteria: ACMG Guidelines, 2015. Collection method: clinical testing. Allele origin: germline.

Literature cited by the submitters: PubMed 25118008 (cited by Illumina Laboratory Services, Illumina).

NM_181426.2(CCDC39):c.1433A>G (p.Gln478Arg)

Gene: CCDC39 (coiled-coil domain 39 molecular ruler complex subunit; minus strand). Cytogenetic location: 3q26.33.
Variant type: single nucleotide variant.
Coding change: c.1433A>G on transcript NM_181426.2 (MANE Select); coding-DNA position 1433, A replaced by G.
Protein change: p.Gln478Arg; replaces glutamine 478 with arginine.
Molecular consequence: missense variant.
Genome position (GRCh38, 1-based): chr3:180,647,173, T>C on the plus strand (A>G on the coding strand, the complement: CCDC39 is on the minus strand). VCF-style: chr3-180647173-T-C. GRCh37 (hg19) VCF-style: chr3-180364961-T-C.
Other names: short protein forms Q478R.
Identifiers: ClinVar variation 226483 (VCV000226483.56), dbSNP rs115545935, ClinGen allele CA2715942.
Genomic context (GRCh38, chr3:180,647,173, plus strand): 5'-CATGTAGATTTTTTCTCTTCCAAAGACTTCCTAAGTTCAACAATTTTTGCTTCAAGCGCT[T>C]GTTTTTCTTCTGAATTAATTTCTCCCTTTAACCGTGACATTCTCCGTTCCACTTGTTGAA-3'
Protein context (NP_852091.1, residues 468-488): LKGEINSEEK[Gln478Arg]ALEAKIVELR